The following is an entry in ClinVar:

NM_004830.4(MED23):c.479T>G (p.Leu160Arg)

Gene: MED23 (mediator complex subunit 23; minus strand). Cytogenetic location: 6q23.2.
Variant type: single nucleotide variant.
Coding change: c.479T>G on transcript NM_004830.4 (MANE Select); coding-DNA position 479, T replaced by G.
Protein change: p.Leu160Arg; replaces leucine 160 with arginine.
Molecular consequence: missense variant.
Genome position (GRCh38, 1-based): chr6:131,621,897, A>C on the plus strand (T>G on the coding strand, the complement: MED23 is on the minus strand). VCF-style: chr6-131621897-A-C. GRCh37 (hg19) VCF-style: chr6-131943037-A-C.
Other names: c.479T>G, p.Leu160Arg (NM_001270521.2, NM_001270522.2, NM_001376517.1 and 7 more transcripts); c.407T>G, p.Leu136Arg (NM_001376518.1); short protein forms L136R, L160R.
Identifiers: ClinVar variation 4854017 (VCV004854017.1).

ClinVar aggregate classification (germline): Uncertain significance (1 of 4 stars; one submission).

Conditions:
Intellectual developmental disorder, autosomal recessive 18, with or without epilepsy. Also called: Intellectual disability, autosomal recessive 18. Identifiers: Orphanet 88616, MedGen C3280265, MONDO:0013651, OMIM 614249.

gnomAD v4.1: 13 of 1,607,470 alleles (0.00081%); highest among the groups gnomAD compares: Non-Finnish European, 0.00093%; no homozygotes.

Submission:

3billion
Classification: Uncertain significance for Intellectual developmental disorder, autosomal recessive 18, with or without epilepsy. Last evaluated: 2025-12-18. Review status: criteria provided, single submitter. Criteria: ACMG Guidelines, 2015. Collection method: clinical testing. Allele origin: germline. Affected: yes.
Comment: The variant is observed at an extremely low frequency in the gnomAD v4.1.0 dataset (total allele frequency: <0.001%). Predicted Consequence/Location: Missense variant In silico tool predictions suggest damaging effect of the variant on gene or gene product [REVEL: 0.87 (>=0.6, sensitivity 0.68 and specificity 0.92)]. A different missense change at the same codon (p.Leu160Pro) has been reported to be associated with MED23-related disorder (ClinVar ID: VCV000191215 /PMID: 27124789). However the evidence of pathogenicity is insufficient at this time. Therefore, this variant is classified as VUS according to the recommendation of ACMG/AMP guideline.

Literature cited by the submitters: PubMed 27124789.